The following is an entry in ClinVar:

ClinVar aggregate classification (germline): Likely pathogenic (1 of 4 stars; one submission).

Submission:

CeGaT Center for Human Genetics Tuebingen
Classification: Likely pathogenic. Last evaluated: 2022-03-01. Review status: criteria provided, single submitter. Criteria: CeGaT Center For Human Genetics Tuebingen Variant Classification Criteria Version 2. Collection method: clinical testing. Allele origin: germline. Affected: yes. Observed: 1 variant allele.
Comment: MPZ: PM1, PM2, PM5:Supporting, PP4

NM_000530.8(MPZ):c.335T>G (p.Ile112Ser)

Gene: MPZ (myelin protein zero; minus strand). Cytogenetic location: 1q23.3.
Variant type: single nucleotide variant.
Coding change: c.335T>G on transcript NM_000530.8 (MANE Select); coding-DNA position 335, T replaced by G.
Protein change: p.Ile112Ser; replaces isoleucine 112 with serine.
Molecular consequence: missense variant.
Genome position (GRCh38, 1-based): chr1:161,306,821, A>C on the plus strand (T>G on the coding strand, the complement: MPZ is on the minus strand). VCF-style: chr1-161306821-A-C. GRCh37 (hg19) VCF-style: chr1-161276611-A-C.
Other names: c.335T>G, p.Ile112Ser (NM_001315491.2); short protein forms I112S.
Identifiers: ClinVar variation 1675390 (VCV001675390.33), dbSNP rs1553259662, ClinGen allele CA343349283.
Genomic context (GRCh38, chr1:161,306,821, plus strand): 5'-GGGTTTTTGACGTCACAAGTGAACGTGCCATTGTCACTGTAGTCTAGGTTGTGTATGACA[A>C]TGGAGCCATCCTTCCAGCGAGGGTCCCCTACCCACTGGATGCGCTCTTTGAAGGTCCCCA-3'
Protein context (NP_000521.2, residues 102-122): VGDPRWKDGS[Ile112Ser]VIHNLDYSDN